The following is an entry in ClinVar:

ClinVar aggregate classification (germline): Benign. Review status: criteria provided, multiple submitters, no conflicts (2 of 4 stars). 3 submissions from 3 submitters: Benign (2). 1 of the submissions does not count toward it. Last evaluated 2021-06-09.

Allele frequency attached by ClinVar (database versions not stated): 1000 Genomes Project 30x 0.99469; 1000 Genomes Project 0.99521; TOPMed 0.99672; gnomAD 0.99710; ESP Exome Variant Server 0.99768.
gnomAD v4.1: 1,613,468 of 1,614,244 alleles (100%); highest among the groups gnomAD compares: Non-Finnish European, 100%; 806,348 homozygotes.

Submissions (3):

GeneDx
Classification: Benign. Last evaluated: 2021-06-09. Review status: criteria provided, single submitter. Criteria: GeneDx Variant Classification Process June 2021. Collection method: clinical testing. Allele origin: germline. Affected: yes.

Breakthrough Genomics
Classification: Benign. Review status: criteria provided, single submitter. Criteria: ACMG Guidelines, 2015. Collection method: not provided. Allele origin: germline. Inheritance: Unknown mechanism. Affected: yes.

Genetic Services Laboratory, University of Chicago
Classification: Likely benign for AllHighlyPenetrant. Review status: no assertion criteria provided. Collection method: clinical testing. Allele origin: germline. Inheritance: Autosomal dominant inheritance. Not counted in ClinVar's aggregate classification.
Comment: Likely benign based on allele frequency in 1000 Genomes Project or ESP global frequency and its presence in a patient with a rare or unrelated disease phenotype. NOT Sanger confirmed.

NM_014832.5(TBC1D4):c.723G>C (p.Gly241=)

Gene: TBC1D4 (TBC1 domain family member 4; minus strand). Cytogenetic location: 13q22.2.
Variant type: single nucleotide variant.
Coding change: c.723G>C on transcript NM_014832.5 (MANE Select); coding-DNA position 723, G replaced by C.
Protein change: p.Gly241=; no amino-acid change (glycine 241 retained).
Molecular consequence: synonymous variant.
Genome position (GRCh38, 1-based): chr13:75,362,383, C>G on the plus strand (G>C on the coding strand, the complement: TBC1D4 is on the minus strand). VCF-style: chr13-75362383-C-G. GRCh37 (hg19) VCF-style: chr13-75936519-C-G.
Other names: c.723G>C, p.Gly241= (NM_001286658.2, NM_001286659.2).
Identifiers: ClinVar variation 130556 (VCV000130556.8), dbSNP rs7983969, ClinGen allele CA214728.